The following is an entry in ClinVar:

ClinVar aggregate classification (germline): Uncertain significance (1 of 4 stars; one submission).

Allele frequency attached by ClinVar (database versions not stated): ExAC 0.00002; gnomAD 0.00002; gnomAD exomes 0.00002; TOPMed 0.00002.
gnomAD v4.1: 32 of 1,613,976 alleles (0.002%); highest among the groups gnomAD compares: Non-Finnish European, 0.0025%; no homozygotes.

Submission:

Labcorp Genetics (formerly Invitae), Labcorp
Classification: Uncertain significance. Last evaluated: 2023-01-16. Review status: criteria provided, single submitter. Criteria: Invitae Variant Classification Sherloc (09022015). Collection method: clinical testing. Allele origin: germline.
Comment: In summary, the available evidence is currently insufficient to determine the role of this variant in disease. Therefore, it has been classified as a Variant of Uncertain Significance. Advanced modeling of protein sequence and biophysical properties (such as structural, functional, and spatial information, amino acid conservation, physicochemical variation, residue mobility, and thermodynamic stability) performed at Invitae indicates that this missense variant is not expected to disrupt KCNJ13 protein function. ClinVar contains an entry for this variant (Variation ID: 1420710). This variant has not been reported in the literature in individuals affected with KCNJ13-related conditions. This variant is present in population databases (rs17853727, gnomAD 0.003%). This sequence change replaces proline, which is neutral and non-polar, with leucine, which is neutral and non-polar, at codon 290 of the KCNJ13 protein (p.Pro290Leu).

NM_002242.4(KCNJ13):c.869C>T (p.Pro290Leu)

Genes: GIGYF2 (GRB10 interacting GYF protein 2; plus strand), KCNJ13 (potassium inwardly rectifying channel subfamily J member 13; minus strand). Cytogenetic location: 2q37.1.
Variant type: single nucleotide variant.
Coding change: c.869C>T on transcript NM_002242.4 (MANE Select); coding-DNA position 869, C replaced by T.
Protein change: p.Pro290Leu; replaces proline 290 with leucine.
Molecular consequence: missense variant. On other transcripts: intron variant (4), 3 prime UTR variant (1).
Genome position (GRCh38, 1-based): chr2:232,768,405, G>A on the plus strand (C>T on the coding strand, the complement: KCNJ13 is on the minus strand). VCF-style: chr2-232768405-G-A. GRCh37 (hg19) VCF-style: chr2-233633115-G-A.
Other names: c.532+6969G>A (NM_001103146.3, NM_015575.4, NM_001103147.2 and 1 more transcripts); c.*348C>T (NM_001172416.1); c.629C>T, p.Pro210Leu (NM_001172417.1); short protein forms P290L, P210L.
Identifiers: ClinVar variation 1420710 (VCV001420710.6), dbSNP rs17853727, ClinGen allele CA2169976.
Genomic context (GRCh38, chr2:232,768,405, plus strand): 5'-TCACCTTTGGAACCTCGGGTCAACAGAGATGCAAAACAGTGATGTAACATGATTTCAGAC[G>A]GTAGGTAGGATGTCCTCCTTTGGCATATTTCTCCAGTGCCCTCCTGCATTGCTGAAAGGA-3'
Protein context (NP_002233.2, residues 280-300): EICQRRTSYL[Pro290Leu]SEIMLHHCFA